The following is an entry in ClinVar:

NM_001371986.1(UNC80):c.5309G>A (p.Gly1770Glu)

Genes: UNC80 (unc-80 subunit of NALCN channel complex; plus strand), LOC126806490 (P300/CBP strongly-dependent group 1 enhancer GRCh37_chr2:210782411-210783610; plus strand). Cytogenetic location: 2q34.
Variant type: single nucleotide variant.
Coding change: c.5309G>A on transcript NM_001371986.1 (MANE Select); coding-DNA position 5309, G replaced by A.
Protein change: p.Gly1770Glu; replaces glycine 1770 with glutamic acid.
Molecular consequence: missense variant.
Genome position (GRCh38, 1-based): chr2:209,918,629, G>A. VCF-style: chr2-209918629-G-A. GRCh37 (hg19) VCF-style: chr2-210783353-G-A.
Other names: c.5111G>A, p.Gly1704Glu (NM_032504.2); c.5096G>A, p.Gly1699Glu (NM_182587.4); short protein forms G1770E, G1699E, G1704E.
Identifiers: ClinVar variation 1364188 (VCV001364188.6), dbSNP rs2124949128, ClinGen allele CA350760393.

ClinVar aggregate classification (germline): Uncertain significance (1 of 4 stars; one submission).

Submission:

Labcorp Genetics (formerly Invitae), Labcorp
Classification: Uncertain significance. Last evaluated: 2021-01-11. Review status: criteria provided, single submitter. Criteria: Invitae Variant Classification Sherloc (09022015). Collection method: clinical testing. Allele origin: germline.
Comment: In summary, the available evidence is currently insufficient to determine the role of this variant in disease. Therefore, it has been classified as a Variant of Uncertain Significance. Algorithms developed to predict the effect of missense changes on protein structure and function are either unavailable or do not agree on the potential impact of this missense change (SIFT: "Not Available"; PolyPhen-2: "Probably Damaging"; Align-GVGD: "Not Available"). This variant has not been reported in the literature in individuals with UNC80-related conditions. This variant is not present in population databases (ExAC no frequency). This sequence change replaces glycine with glutamic acid at codon 1704 of the UNC80 protein (p.Gly1704Glu). The glycine residue is moderately conserved and there is a moderate physicochemical difference between glycine and glutamic acid.